The following is an entry in ClinVar:

ClinVar aggregate classification (germline): Uncertain significance (1 of 4 stars; one submission).

Conditions:
Birt-Hogg-Dube syndrome. Also called: Birt Hogg Dubé syndrome. Identifiers: Orphanet 122, MedGen C0346010, MONDO:0800444.

gnomAD v4.1: 2 of 1,614,190 alleles (0.00012%); highest among the groups gnomAD compares: Non-Finnish European, 0.00017%; no homozygotes.

Submission:

Labcorp Genetics (formerly Invitae), Labcorp
Classification: Uncertain significance for Birt-Hogg-Dube syndrome. Last evaluated: 2024-09-23. Review status: criteria provided, single submitter. Criteria: Invitae Variant Classification Sherloc (09022015). Collection method: clinical testing. Allele origin: germline.
Comment: This sequence change replaces serine, which is neutral and polar, with proline, which is neutral and non-polar, at codon 257 of the FLCN protein (p.Ser257Pro). This variant is not present in population databases (gnomAD no frequency). This variant has not been reported in the literature in individuals affected with FLCN-related conditions. Invitae Evidence Modeling of protein sequence and biophysical properties (such as structural, functional, and spatial information, amino acid conservation, physicochemical variation, residue mobility, and thermodynamic stability) indicates that this missense variant is not expected to disrupt FLCN protein function with a negative predictive value of 80%. In summary, the available evidence is currently insufficient to determine the role of this variant in disease. Therefore, it has been classified as a Variant of Uncertain Significance.

NM_144997.7(FLCN):c.769T>C (p.Ser257Pro)

Gene: FLCN (folliculin; minus strand). Cytogenetic location: 17p11.2.
Variant type: single nucleotide variant.
Coding change: c.769T>C on transcript NM_144997.7 (MANE Select); coding-DNA position 769, T replaced by C.
Protein change: p.Ser257Pro; replaces serine 257 with proline.
Molecular consequence: missense variant.
Genome position (GRCh38, 1-based): chr17:17,222,511, A>G on the plus strand (T>C on the coding strand, the complement: FLCN is on the minus strand). VCF-style: chr17-17222511-A-G. GRCh37 (hg19) VCF-style: chr17-17125825-A-G.
Other names: c.823T>C, p.Ser275Pro (NM_001353229.2); c.769T>C, p.Ser257Pro (NM_001353230.2, NM_001353231.2, NM_144606.7); short protein forms S257P, S275P.
Identifiers: ClinVar variation 3667432 (VCV003667432.2).